The following is an entry in ClinVar:

NM_173598.6(KSR2):c.1799C>T (p.Pro600Leu)

Gene: KSR2 (kinase suppressor of ras 2; minus strand). Cytogenetic location: 12q24.22.
Variant type: single nucleotide variant.
Coding change: c.1799C>T on transcript NM_173598.6 (MANE Select); coding-DNA position 1799, C replaced by T.
Protein change: p.Pro600Leu; replaces proline 600 with leucine.
Molecular consequence: missense variant.
Genome position (GRCh38, 1-based): chr12:117,530,944, G>A on the plus strand (C>T on the coding strand, the complement: KSR2 is on the minus strand). VCF-style: chr12-117530944-G-A. GRCh37 (hg19) VCF-style: chr12-117968749-G-A.
Other names: short protein forms P600L.
Identifiers: ClinVar variation 4991183 (VCV004991183.1).

ClinVar aggregate classification (germline): Uncertain significance (1 of 4 stars; one submission).

Conditions:
KSR2-related disorder. Also called: KSR2-related condition.

Submission:

PreventionGenetics, part of Exact Sciences
Classification: Uncertain significance for KSR2-related condition. Last evaluated: 2025-12-23. Review status: criteria provided, single submitter. Criteria: ACMG Guidelines, 2015. Collection method: clinical testing. Allele origin: germline.
Comment: The KSR2 c.1712C>T variant is predicted to result in the amino acid substitution p.Pro571Leu. To our knowledge, this variant has not been reported in the literature or in a large population database (gnomAD), indicating this variant is rare. At this time, the clinical significance of this variant is uncertain due to the absence of conclusive functional and genetic evidence.